The following is an entry in ClinVar:

ClinVar aggregate classification (germline): Uncertain significance. Review status: criteria provided, multiple submitters, no conflicts (2 of 4 stars). 2 submissions from 2 submitters: Uncertain significance (2). Last evaluated 2022-06-17.

Conditions:
Joubert syndrome 9 (JBTS9). Identifiers: Orphanet 2318, MedGen C2676788, MONDO:0012849, OMIM 612285.
COACH syndrome 2. Identifiers: MedGen C5436837, MONDO:0030859, OMIM 619111.
Meckel syndrome, type 6. Identifiers: Orphanet 564, MedGen C2676790, MONDO:0012848, OMIM 612284.
Retinitis pigmentosa 93. Identifiers: MedGen C5676970, MONDO:0030797, OMIM 619845.
Joubert syndrome. Also called: JOUBERT-BOLTSHAUSER SYNDROME; Familial aplasia of the vermis. Identifiers: Orphanet 475, MedGen C5979921, MONDO:0018772.
Meckel-Gruber syndrome. Also called: DYSENCEPHALIA SPLANCHNOCYSTICA; GRUBER SYNDROME; Dysencephalia splachnocystica. Identifiers: Orphanet 564, MedGen C0265215, MONDO:0018921.

Submissions (2):

Labcorp Genetics (formerly Invitae), Labcorp
Classification: Uncertain significance for Joubert syndrome; Meckel-Gruber syndrome. Last evaluated: 2022-06-17. Review status: criteria provided, single submitter. Criteria: Invitae Variant Classification Sherloc (09022015). Collection method: clinical testing. Allele origin: germline.
Comment: In summary, the available evidence is currently insufficient to determine the role of this variant in disease. Therefore, it has been classified as a Variant of Uncertain Significance. Advanced modeling of protein sequence and biophysical properties (such as structural, functional, and spatial information, amino acid conservation, physicochemical variation, residue mobility, and thermodynamic stability) performed at Invitae indicates that this missense variant is not expected to disrupt CC2D2A protein function. This variant has not been reported in the literature in individuals affected with CC2D2A-related conditions. This variant is not present in population databases (gnomAD no frequency). This sequence change replaces glutamic acid, which is acidic and polar, with valine, which is neutral and non-polar, at codon 376 of the CC2D2A protein (p.Glu376Val).

Fulgent Genetics
Classification: Uncertain significance for Meckel syndrome, type 6; Joubert syndrome 9; COACH syndrome 2; Retinitis pigmentosa 93. Last evaluated: 2021-08-09. Review status: criteria provided, single submitter. Criteria: ACMG Guidelines, 2015. Collection method: clinical testing. Allele origin: unknown.

NM_001378615.1(CC2D2A):c.1127A>T (p.Glu376Val)

Genes: CC2D2A (coiled-coil and C2 domain containing 2A; plus strand), FBXL5 (F-box and leucine rich repeat protein 5; minus strand). Cytogenetic location: 4p15.32.
Variant type: single nucleotide variant.
Coding change: c.1127A>T on transcript NM_001378615.1 (MANE Select); coding-DNA position 1127, A replaced by T.
Protein change: p.Glu376Val; replaces glutamic acid 376 with valine.
Molecular consequence: missense variant.
Genome position (GRCh38, 1-based): chr4:15,516,734, A>T. VCF-style: chr4-15516734-A-T. GRCh37 (hg19) VCF-style: chr4-15518357-A-T.
Other names: c.1127A>T, p.Glu376Val (NM_001080522.2); c.980A>T, p.Glu327Val (NM_001378617.1); short protein forms E327V, E376V.
Identifiers: ClinVar variation 1350225 (VCV001350225.5), dbSNP rs16892095, ClinGen allele CA356410038.